The following is an entry in ClinVar:

NM_001323289.2(CDKL5):c.2578C>T (p.Gln860Ter)

Gene: CDKL5 (cyclin dependent kinase like 5; plus strand). Cytogenetic location: Xp22.13.
Variant type: single nucleotide variant.
Coding change: c.2578C>T on transcript NM_001323289.2 (MANE Select); coding-DNA position 2578, C replaced by T.
Protein change: p.Gln860Ter; replaces glutamine 860 with a stop codon.
Molecular consequence: nonsense.
Genome position (GRCh38, 1-based): chrX:18,628,452, C>T. VCF-style: chrX-18628452-C-T. GRCh37 (hg19) VCF-style: chrX-18646572-C-T.
Other names: NM_001323289.2(CDKL5):c.2578C>T; p.Gln860Ter; c.2578C>T, p.Gln860Ter (NM_001037343.2, NM_003159.3); short protein forms Q860*.
Identifiers: ClinVar variation 916583 (VCV000916583.1), dbSNP rs1927139054, ClinGen allele CA412367307.

ClinVar aggregate classification (germline): Pathogenic. Review status: criteria provided, multiple submitters, no conflicts (2 of 4 stars). 2 submissions from 2 submitters: Pathogenic (2). Last evaluated 2025-01-07.

Conditions:
Developmental and epileptic encephalopathy, 2 (DEE2). Also called: CDKL5 deficiency disorder; INFANTILE SPASM SYNDROME, X-LINKED 2. Identifiers: Orphanet 1934, Orphanet 3451, Orphanet 505652, MedGen C4750718, MONDO:0010396, OMIM 300672.
CDKL5 disorder. Identifiers: MedGen CN296942, MONDO:0100039.

Submissions (2):

Centre for Population Genomics, CPG
Classification: Pathogenic for CDKL5 disorder. Last evaluated: 2025-01-07. Review status: criteria provided, single submitter. Criteria: McKnight et al. (Hum Mutat. 2022). Collection method: curation. Allele origin: germline. Inheritance: X-linked inheritance.
Comment: This variant has been collected from RettBASE and curated to current modified ACMG/AMP criteria. Based on the classification scheme defined by the ClinGen Rett/Angelman-like Expert Panel for Rett/AS-like Disorders Specifications to the ACMG/AMP Variant Interpretation Guidelines VCEP 3.0, this variant is classified as pathogenic. At least the following criteria are met: Predicted to result in loss of function, and LOF is a known mechanism of disease (PVS1). This variant has been identified as a de novo occurrence in an individual with CDKL5 disorder without confirmation of paternity and maternity (PM6, PMID: 28872899). This variant is absent from gnomAD (PM2_Supporting).

Institute of Human Genetics, University of Leipzig Medical Center
Classification: Pathogenic for Developmental and epileptic encephalopathy, 2. Last evaluated: 2018-01-01. Review status: criteria provided, single submitter. Criteria: ACMG Guidelines, 2015. Collection method: clinical testing. Allele origin: germline. Affected: yes.

Literature cited by the submitters: PubMed 31791873 (cited by Institute of Human Genetics, University of Leipzig Medical Center).